The following is an entry in ClinVar:

NM_000018.4(ACADVL):c.1168C>T (p.Gln390Ter)

Gene: ACADVL (acyl-CoA dehydrogenase very long chain; plus strand). Cytogenetic location: 17p13.1.
Variant type: single nucleotide variant.
Coding change: c.1168C>T on transcript NM_000018.4 (MANE Select); coding-DNA position 1168, C replaced by T.
Protein change: p.Gln390Ter; replaces glutamine 390 with a stop codon.
Molecular consequence: nonsense.
Genome position (GRCh38, 1-based): chr17:7,223,223, C>T. VCF-style: chr17-7223223-C-T. GRCh37 (hg19) VCF-style: chr17-7126542-C-T.
Other names: c.1102C>T, p.Gln368Ter (NM_001033859.3); c.1237C>T, p.Gln413Ter (NM_001270447.2); c.940C>T, p.Gln314Ter (NM_001270448.2); short protein forms Q314*, Q368*, Q390*, Q413*.
Identifiers: ClinVar variation 2680285 (VCV002680285.4), dbSNP rs2508330212, ClinGen allele CA397724499.

ClinVar aggregate classification (germline): Pathogenic/Likely pathogenic. Review status: criteria provided, multiple submitters, no conflicts (2 of 4 stars). 2 submissions from 2 submitters: Pathogenic (1); Likely pathogenic (1). Last evaluated 2025-12-03.

Conditions:
Very long chain acyl-CoA dehydrogenase deficiency (ACADVLD). Also called: VLCAD Deficiency; Very Long-Chain Acyl-Coenzyme A Dehydrogenase Deficiency. Identifiers: Orphanet 26793, MedGen C3887523, MONDO:0008723, OMIM 201475.

Submissions (2):

Labcorp Genetics (formerly Invitae), Labcorp
Classification: Pathogenic for Very long chain acyl-CoA dehydrogenase deficiency. Last evaluated: 2025-12-03. Review status: criteria provided, single submitter. Criteria: Invitae Variant Classification Sherloc (09022015). Collection method: clinical testing. Allele origin: germline.
Comment: This sequence change creates a premature translational stop signal (p.Gln390*) in the ACADVL gene. It is expected to result in an absent or disrupted protein product. Loss-of-function variants in ACADVL are known to be pathogenic (PMID: 9973285, 11590124). This variant is not present in population databases (gnomAD no frequency). This variant has not been reported in the literature in individuals affected with ACADVL-related conditions. ClinVar contains an entry for this variant (Variation ID: 2680285). Algorithms developed to predict the effect of sequence changes on RNA splicing suggest that this variant may disrupt the consensus splice site. For these reasons, this variant has been classified as Pathogenic.

Baylor Genetics
Classification: Likely pathogenic for Very long chain acyl-CoA dehydrogenase deficiency. Last evaluated: 2021-11-06. Review status: criteria provided, single submitter. Criteria: ACMG Guidelines, 2015. Collection method: clinical testing. Allele origin: unknown.

Literature cited by the submitters: PubMed 9973285 (cited by Labcorp Genetics (formerly Invitae), Labcorp); PubMed 11590124 (cited by Labcorp Genetics (formerly Invitae), Labcorp).